The following is an entry in ClinVar:

ClinVar aggregate classification (germline): Uncertain significance (1 of 4 stars; one submission).

Conditions:
Long QT syndrome (LQTS). Identifiers: MedGen C0023976, MeSH D008133, MONDO:0002442. Disease mechanism: loss of function. Inheritance: Various modes of inheritance.

Allele frequency attached by ClinVar (database versions not stated): gnomAD exomes below 0.00001.

Submission:

Labcorp Genetics (formerly Invitae), Labcorp
Classification: Uncertain significance for Long QT syndrome. Last evaluated: 2022-07-23. Review status: criteria provided, single submitter. Criteria: Invitae Variant Classification Sherloc (09022015). Collection method: clinical testing. Allele origin: germline.
Comment: In summary, the available evidence is currently insufficient to determine the role of this variant in disease. Therefore, it has been classified as a Variant of Uncertain Significance. Algorithms developed to predict the effect of missense changes on protein structure and function output the following: SIFT: "Tolerated"; PolyPhen-2: "Benign"; Align-GVGD: "Class C0". The threonine amino acid residue is found in multiple mammalian species, which suggests that this missense change does not adversely affect protein function. This variant has not been reported in the literature in individuals affected with CACNA1C-related conditions. This variant is not present in population databases (gnomAD no frequency). This sequence change replaces methionine, which is neutral and non-polar, with threonine, which is neutral and polar, at codon 1825 of the CACNA1C protein (p.Met1825Thr).

NM_000719.7(CACNA1C):c.5474T>C (p.Met1825Thr)

Genes: CACNA1C (calcium voltage-gated channel subunit alpha1 C; plus strand), CACNA1C-AS1 (CACNA1C antisense RNA 1; minus strand). Cytogenetic location: 12p13.33.
Variant type: single nucleotide variant.
Coding change: c.5474T>C on transcript NM_000719.7 (MANE Select); coding-DNA position 5474, T replaced by C.
Protein change: p.Met1825Thr; replaces methionine 1825 with threonine.
Molecular consequence: missense variant.
Genome position (GRCh38, 1-based): chr12:2,682,579, T>C. VCF-style: chr12-2682579-T-C. GRCh37 (hg19) VCF-style: chr12-2791745-T-C.
Other names: c.5618T>C, p.Met1873Thr (NM_001129827.2); c.5597T>C, p.Met1866Thr (NM_001129829.2); c.5579T>C, p.Met1860Thr (NM_001129830.3, NM_001167624.3); c.5558T>C, p.Met1853Thr (NM_001129831.2); c.5534T>C, p.Met1845Thr (NM_001129832.2); c.5531T>C, p.Met1844Thr (NM_001129833.2, NM_001129834.2, NM_001129835.2); c.5525T>C, p.Met1842Thr (NM_001129836.2); c.5498T>C, p.Met1833Thr (NM_001129837.2, NM_001129838.2); and 6 more; short protein forms M1842T, M1860T, M1866T, M1873T, M1814T, M1822T, M1833T, M1845T.
Identifiers: ClinVar variation 1934867 (VCV001934867.5), dbSNP rs2533302408, ClinGen allele CA383380741.